The following is an entry in ClinVar:

ClinVar aggregate classification (germline): Likely benign (1 of 4 stars; one submission).

Submission:

Mayo Clinic Laboratories, Mayo Clinic
Classification: Likely benign. Last evaluated: 2025-05-20. Review status: criteria provided, single submitter. Criteria: ACMG Guidelines, 2015. Collection method: clinical testing. Allele origin: germline. Observed: 1 variant allele.
Comment: BP4, BP7

NM_003383.5(VLDLR):c.2205C>G (p.Ser735=)

Gene: VLDLR (very low density lipoprotein receptor; plus strand). Cytogenetic location: 9p24.2.
Variant type: single nucleotide variant.
Coding change: c.2205C>G on transcript NM_003383.5 (MANE Select); coding-DNA position 2205, C replaced by G.
Protein change: p.Ser735=; no amino-acid change (serine 735 retained).
Molecular consequence: synonymous variant.
Genome position (GRCh38, 1-based): chr9:2,650,470, C>G. VCF-style: chr9-2650470-C-G. GRCh37 (hg19) VCF-style: chr9-2650470-C-G.
Other names: p.Ser735=; c.2205C>G, p.Ser735= (NM_001018056.3); c.2082C>G, p.Ser694= (NM_001322225.2, NM_001322226.2).
Identifiers: ClinVar variation 4683373 (VCV004683373.1).